The following is an entry in ClinVar:

NM_001083962.2(TCF4):c.770dup (p.His258fs)

Gene: TCF4 (transcription factor 4; minus strand). Cytogenetic location: 18q21.2.
Variant type: Duplication.
Coding change: c.770dup on transcript NM_001083962.2 (MANE Select); coding-DNA position 770, one base duplicated (T; older notation c.770dupT).
Protein change: p.His258fs; shifts the reading frame from histidine 258.
Molecular consequence: frameshift variant.
Genome position (GRCh38, 1-based): chr18:55,275,638, A duplicated on the plus strand (T on the coding strand, the reverse complement: TCF4 is on the minus strand). VCF-style (leftmost placement, unchanged base first): chr18-55275637-C-CA. GRCh37 (hg19) VCF-style: chr18-52942868-C-CA.
Other names: c.767dup, p.His257fs (NM_001369570.1, NM_001369573.1, NM_001369569.1); c.770dup, p.His258fs (NM_001369571.1, NM_001369572.1, NM_001369574.1 and 4 more transcripts); c.698dup, p.His234fs (NM_001369575.1, NM_001369577.1, NM_001369579.1 and 9 more transcripts); c.695dup, p.His233fs (NM_001369576.1, NM_001369578.1, NM_001369581.1 and 3 more transcripts); c.1076dup, p.His360fs (NM_001243226.3); c.788dup, p.His264fs (NM_001243228.2); c.764dup, p.His256fs (NM_001243230.2); c.644dup, p.His216fs (NM_001243231.2, NM_001348211.2); and 4 more; short protein forms H128fs, H187fs, H216fs, H233fs, H234fs, H256fs, H257fs, H258fs.
Identifiers: ClinVar variation 1076549 (VCV001076549.2), dbSNP rs2146144310, ClinGen allele CA2499225221.
Genomic context (GRCh38, chr18:55,275,637, plus strand): 5'-AACTAGCTGTGACATTCCCGTTACCGTGTATGTCTGCCTTACCAAACGTTCATGTGGATG[C>CA]AGGCTACAGTAGCTGCTGGACTGTGGAATATGAGAAGAGTTGCCCAACATTCCTGCATAG-3'

ClinVar aggregate classification (germline): Pathogenic (1 of 4 stars; one submission).

Conditions:
Pitt-Hopkins syndrome (PTHS). Also called: ENCEPHALOPATHY, SEVERE EPILEPTIC, WITH AUTONOMIC DYSFUNCTION; MENTAL RETARDATION, SYNDROMAL, WITH INTERMITTENT HYPERVENTILATION. Identifiers: Orphanet 2896, MedGen C1970431, MONDO:0012589, OMIM 610954.

Submission:

Labcorp Genetics (formerly Invitae), Labcorp
Classification: Pathogenic for Pitt-Hopkins syndrome. Last evaluated: 2020-04-26. Review status: criteria provided, single submitter. Criteria: Invitae Variant Classification Sherloc (09022015). Collection method: clinical testing. Allele origin: germline.
Comment: This sequence change creates a premature translational stop signal (p.His258Alafs*4) in the TCF4 gene. It is expected to result in an absent or disrupted protein product. This variant is not present in population databases (ExAC no frequency). This variant has not been reported in the literature in individuals with TCF4-related conditions. Loss-of-function variants in TCF4 are known to be pathogenic (PMID: 18728071, 22045651). For these reasons, this variant has been classified as Pathogenic.

Literature cited by the submitters: PubMed 18728071; PubMed 22045651.